The following is an entry in ClinVar:

ClinVar aggregate classification (germline): Uncertain significance (1 of 4 stars; one submission).

Conditions:
CHARGE syndrome (CHARGE). Also called: Hittner Hirsch Kreh syndrome; CHARGE ASSOCIATION--COLOBOMA, HEART ANOMALY, CHOANAL ATRESIA, RETARDATION, GENITAL AND EAR ANOMALIES; Coloboma, heart anomaly, choanal atresia, retardation, genital and ear anomalies; CHARGE association; Hall-Hittner syndrome. Identifiers: Orphanet 138, MedGen C0265354, MONDO:0008965.

gnomAD v4.1: 2 of 1,613,982 alleles (0.00012%); highest among the groups gnomAD compares: Non-Finnish European, 0.00017%; no homozygotes.

Submission:

Labcorp Genetics (formerly Invitae), Labcorp
Classification: Uncertain significance for CHARGE syndrome. Last evaluated: 2025-10-29. Review status: criteria provided, single submitter. Criteria: Invitae Variant Classification Sherloc (09022015). Collection method: clinical testing. Allele origin: germline.
Comment: This sequence change replaces glycine, which is neutral and non-polar, with glutamic acid, which is acidic and polar, at codon 223 of the CHD7 protein (p.Gly223Glu). This variant is not present in population databases (gnomAD no frequency). This variant has not been reported in the literature in individuals affected with CHD7-related conditions. Invitae Evidence Modeling of protein sequence and biophysical properties (such as structural, functional, and spatial information, amino acid conservation, physicochemical variation, residue mobility, and thermodynamic stability) indicates that this missense variant is not expected to disrupt CHD7 protein function with a negative predictive value of 95%. In summary, the available evidence is currently insufficient to determine the role of this variant in disease. Therefore, it has been classified as a Variant of Uncertain Significance.

NM_017780.4(CHD7):c.668G>A (p.Gly223Glu)

Gene: CHD7 (chromodomain helicase DNA binding protein 7; plus strand). Cytogenetic location: 8q12.2.
Variant type: single nucleotide variant.
Coding change: c.668G>A on transcript NM_017780.4 (MANE Select); coding-DNA position 668, G replaced by A.
Protein change: p.Gly223Glu; replaces glycine 223 with glutamic acid.
Molecular consequence: missense variant.
Genome position (GRCh38, 1-based): chr8:60,742,100, G>A. VCF-style: chr8-60742100-G-A. GRCh37 (hg19) VCF-style: chr8-61654659-G-A.
Other names: c.668G>A, p.Gly223Glu (NM_001316690.1); short protein forms G223E.
Identifiers: ClinVar variation 4700955 (VCV004700955.1).